The following is an entry in ClinVar:

ClinVar aggregate classification (germline): Uncertain significance (1 of 4 stars; one submission).

Conditions:
Familial hypocalciuric hypercalcemia (FHH). Also called: Familial benign hypercalcemia. Identifiers: Orphanet 405, MedGen C1809471, MONDO:0018458.
Autosomal dominant hypocalcemia 1 (HYPOC1). Also called: HYPOCALCEMIA, FAMILIAL. Identifiers: MedGen C3715128, MONDO:0011013, OMIM 601198.

Submission:

Labcorp Genetics (formerly Invitae), Labcorp
Classification: Uncertain significance for Familial hypocalciuric hypercalcemia; Autosomal dominant hypocalcemia 1. Last evaluated: 2022-06-17. Review status: criteria provided, single submitter. Criteria: Invitae Variant Classification Sherloc (09022015). Collection method: clinical testing. Allele origin: germline.
Comment: In summary, the available evidence is currently insufficient to determine the role of this variant in disease. Therefore, it has been classified as a Variant of Uncertain Significance. Algorithms developed to predict the effect of missense changes on protein structure and function (SIFT, PolyPhen-2, Align-GVGD) all suggest that this variant is likely to be disruptive. This sequence change replaces leucine, which is neutral and non-polar, with arginine, which is basic and polar, at codon 723 of the CASR protein (p.Leu723Arg). This variant has not been reported in the literature in individuals affected with CASR-related conditions. This variant is not present in population databases (gnomAD no frequency).

NM_000388.4(CASR):c.2168T>G (p.Leu723Arg)

Gene: CASR (calcium sensing receptor; plus strand). Cytogenetic location: 3q21.1.
Variant type: single nucleotide variant.
Coding change: c.2168T>G on transcript NM_000388.4 (MANE Select); coding-DNA position 2168, T replaced by G.
Protein change: p.Leu723Arg; replaces leucine 723 with arginine.
Molecular consequence: missense variant.
Genome position (GRCh38, 1-based): chr3:122,284,122, T>G. VCF-style: chr3-122284122-T-G. GRCh37 (hg19) VCF-style: chr3-122002969-T-G.
Other names: c.2198T>G, p.Leu733Arg (NM_001178065.2); short protein forms L733R, L723R.
Identifiers: ClinVar variation 1359597 (VCV001359597.8), dbSNP rs2107650069, ClinGen allele CA354158868.